The following is an entry in ClinVar:

NM_013296.5(GPSM2):c.731C>T (p.Ala244Val)

Gene: GPSM2 (G protein signaling modulator 2; plus strand). Cytogenetic location: 1p13.3.
Variant type: single nucleotide variant.
Coding change: c.731C>T on transcript NM_013296.5 (MANE Select); coding-DNA position 731, C replaced by T.
Protein change: p.Ala244Val; replaces alanine 244 with valine.
Molecular consequence: missense variant.
Genome position (GRCh38, 1-based): chr1:108,898,928, C>T. VCF-style: chr1-108898928-C-T. GRCh37 (hg19) VCF-style: chr1-109441550-C-T.
Other names: c.731C>T, p.Ala244Val (NM_001321038.2, NM_001321039.3); short protein forms A244V.
Identifiers: ClinVar variation 1342063 (VCV001342063.7), dbSNP rs750034509, ClinGen allele CA982865.

ClinVar aggregate classification (germline): Uncertain significance. Review status: criteria provided, multiple submitters, no conflicts (2 of 4 stars). 2 submissions from 2 submitters: Uncertain significance (2). Last evaluated 2024-06-18.

Conditions:
Inborn genetic diseases. Identifiers: MedGen C0950123, MeSH D030342.

Allele frequency attached by ClinVar (database versions not stated): gnomAD exomes below 0.00001; ExAC 0.00001; gnomAD 0.00001; TOPMed 0.00001.

Submissions (2):

GeneDx
Classification: Uncertain significance. Last evaluated: 2024-06-18. Review status: criteria provided, single submitter. Criteria: GeneDx Variant Classification Process June 2021. Collection method: clinical testing. Allele origin: germline. Affected: yes.
Comment: In silico analysis supports that this missense variant has a deleterious effect on protein structure/function; Has not been previously published as pathogenic or benign to our knowledge; Not observed at significant frequency in large population cohorts (gnomAD)

Ambry Genetics
Classification: Uncertain significance for Inborn genetic diseases. Last evaluated: 2023-07-19. Review status: criteria provided, single submitter. Criteria: Ambry Variant Classification Scheme 2023. Collection method: clinical testing. Allele origin: germline.